The following is an entry in ClinVar:

ClinVar aggregate classification (germline): Pathogenic/Likely pathogenic. Review status: criteria provided, multiple submitters, no conflicts (2 of 4 stars). 4 submissions from 4 submitters: Pathogenic (1); Likely pathogenic (2). 1 of the submissions does not count toward it. Last evaluated 2023-09-08.

Conditions:
Autosomal recessive congenital ichthyosis 10 (ARCI10). Identifiers: Orphanet 79394, MedGen C3554355, MONDO:0014011, OMIM 615024.
Congenital ichthyosiform erythroderma. Identifiers: MedGen C0079583, HP:0007431.

Submissions (4):

Labcorp Genetics (formerly Invitae), Labcorp
Classification: Pathogenic. Last evaluated: 2023-09-08. Review status: criteria provided, single submitter. Criteria: Invitae Variant Classification Sherloc (09022015). Collection method: clinical testing. Allele origin: germline.
Comment: For these reasons, this variant has been classified as Pathogenic. This variant disrupts the p.Ser53 amino acid residue in PNPLA1. Other variant(s) that disrupt this residue have been observed in individuals with PNPLA1-related conditions (PMID: 28093717, 28403545), which suggests that this may be a clinically significant amino acid residue. Experimental studies have shown that this missense change affects PNPLA1 function (PMID: 35970721). An algorithm developed to predict the effect of missense changes on protein structure and function (PolyPhen-2) suggests that this variant is likely to be disruptive. ClinVar contains an entry for this variant (Variation ID: 684647). This missense change has been observed in individual(s) with autosomal recessive congenital ichthyosis (PMID: 28403545). This variant is not present in population databases (gnomAD no frequency). This sequence change replaces serine, which is neutral and polar, with tryptophan, which is neutral and slightly polar, at codon 53 of the PNPLA1 protein (p.Ser53Trp).

Genetics and Genomic Medicine Centre, NeuroGen Healthcare, NeuroGen Healthcare
Classification: Likely pathogenic for Autosomal recessive congenital ichthyosis 10. Last evaluated: 2021-12-20. Review status: criteria provided, single submitter. Criteria: Submitter's publication. Collection method: clinical testing. Allele origin: unknown. Affected: no.

Neuberg Centre For Genomic Medicine, NCGM
Classification: Likely pathogenic for Autosomal recessive congenital ichthyosis 10. Review status: criteria provided, single submitter. Criteria: ACMG Guidelines, 2015. Collection method: clinical testing. Allele origin: germline. Inheritance: Autosomal recessive inheritance. Affected: yes.
Comment: The missense variant p.S53W in PNPLA1 (NM_001145717.1) has been previously reported in homozygous state in an affected patient. The patient had a collodion membrane at birth (Boyden LM et al).The variant has been submitted to ClinVar as Pathogenic based on the same. The p.S53W variant is novel (not in any individuals) in gnomAD Exomes and is novel (not in any individuals) in 1000 Genomes. There is a large physicochemical difference between serine and tryptophan, which is likely to impact secondary protein structure as these residues differ in polarity, charge, size and/or other properties. For these reasons, this variant has been classified as Likely Pathogenic.

Yale Center for Mendelian Genomics, Yale University
Classification: Pathogenic for Congenital ichthyosis. Last evaluated: 2017-06-07. Review status: no assertion criteria provided. Collection method: literature only. Allele origin: de novo. Affected: yes. Observed: 1 homozygote. Not counted in ClinVar's aggregate classification.

Literature cited by the submitters: PubMed 28093717 (cited by Labcorp Genetics (formerly Invitae), Labcorp); PubMed 28403545 (cited by Labcorp Genetics (formerly Invitae), Labcorp and Yale Center for Mendelian Genomics, Yale University); PubMed 35970721 (cited by Labcorp Genetics (formerly Invitae), Labcorp).

NM_001374623.1(PNPLA1):c.158C>G (p.Ser53Trp)

Gene: PNPLA1 (patatin like domain 1, omega-hydroxyceramide transacylase; plus strand). Cytogenetic location: 6p21.31.
Variant type: single nucleotide variant.
Coding change: c.158C>G on transcript NM_001374623.1 (MANE Select); coding-DNA position 158, C replaced by G.
Protein change: p.Ser53Trp; replaces serine 53 with tryptophan.
Molecular consequence: missense variant. On other transcripts: intron variant (2).
Genome position (GRCh38, 1-based): chr6:36,270,617, C>G. VCF-style: chr6-36270617-C-G. GRCh37 (hg19) VCF-style: chr6-36238394-C-G.
Other names: c.158C>G, p.Ser53Trp (NM_001145717.1); c.-80-20703C>G (NM_001145716.2, NM_173676.2); short protein forms S53W.
Identifiers: ClinVar variation 684647 (VCV000684647.6), dbSNP rs1207879599, ClinGen allele CA363805423.